The following is an entry in ClinVar:

ClinVar aggregate classification (germline): Uncertain significance. Review status: criteria provided, multiple submitters, no conflicts (2 of 4 stars). 2 submissions from 2 submitters: Uncertain significance (2). Last evaluated 2024-06-19.

Conditions:
Tumoral calcinosis, hyperphosphatemic, familial, 1. Also called: CALCINOSIS, TUMORAL, WITH HYPERPHOSPHATEMIA; LIPOCALCINOGRANULOMATOSIS; MORBUS TEUTSCHLAENDER; TEUTSCHLAENDER DISEASE, FAMILIAL; TUMORAL CALCINOSIS, PRIMARY HYPERPHOSPHATEMIC; CORTICAL HYPEROSTOSIS WITH HYPERPHOSPHATEMIA. Identifiers: Orphanet 53715, MedGen C4692564, MONDO:0100252, OMIM 211900.

gnomAD v4.1: 22 of 1,613,928 alleles (0.0014%); highest among the groups gnomAD compares: East Asian, 0.0045%; no homozygotes.

Submissions (2):

Fulgent Genetics
Classification: Uncertain significance for Tumoral calcinosis, hyperphosphatemic, familial, 1. Last evaluated: 2024-06-19. Review status: criteria provided, single submitter. Criteria: ACMG Guidelines, 2015. Collection method: clinical testing. Allele origin: germline.

Labcorp Genetics (formerly Invitae), Labcorp
Classification: Uncertain significance. Last evaluated: 2023-12-11. Review status: criteria provided, single submitter. Criteria: Invitae Variant Classification Sherloc (09022015). Collection method: clinical testing. Allele origin: germline.
Comment: This sequence change replaces arginine, which is basic and polar, with histidine, which is basic and polar, at codon 180 of the GALNT3 protein (p.Arg180His). This variant is present in population databases (rs772410242, gnomAD 0.01%). This missense change has been observed in individual(s) with hyperphosphatemic familial tumoral calcinosis (PMID: 27867679). ClinVar contains an entry for this variant (Variation ID: 2203166). An algorithm developed to predict the effect of missense changes on protein structure and function (PolyPhen-2) suggests that this variant is likely to be disruptive. In summary, the available evidence is currently insufficient to determine the role of this variant in disease. Therefore, it has been classified as a Variant of Uncertain Significance.

Literature cited by the submitters: PubMed 27867679 (cited by Labcorp Genetics (formerly Invitae), Labcorp).

NM_004482.4(GALNT3):c.539G>A (p.Arg180His)

Gene: GALNT3 (polypeptide N-acetylgalactosaminyltransferase 3; minus strand). Cytogenetic location: 2q24.3.
Variant type: single nucleotide variant.
Coding change: c.539G>A on transcript NM_004482.4 (MANE Select); coding-DNA position 539, G replaced by A.
Protein change: p.Arg180His; replaces arginine 180 with histidine.
Molecular consequence: missense variant.
Genome position (GRCh38, 1-based): chr2:165,765,033, C>T on the plus strand (G>A on the coding strand, the complement: GALNT3 is on the minus strand). VCF-style: chr2-165765033-C-T. GRCh37 (hg19) VCF-style: chr2-166621543-C-T.
Other names: short protein forms R180H.
Identifiers: ClinVar variation 2203166 (VCV002203166.3), dbSNP rs772410242, ClinGen allele CA1941194.